The following is an entry in ClinVar:

NM_001098511.3(KIF2A):c.757G>C (p.Val253Leu)

Gene: KIF2A (kinesin family member 2A; plus strand). Cytogenetic location: 5q12.1.
Variant type: single nucleotide variant.
Coding change: c.757G>C on transcript NM_001098511.3 (MANE Select); coding-DNA position 757, G replaced by C.
Protein change: p.Val253Leu; replaces valine 253 with leucine.
Molecular consequence: missense variant.
Genome position (GRCh38, 1-based): chr5:62,358,184, G>C. VCF-style: chr5-62358184-G-C. GRCh37 (hg19) VCF-style: chr5-61654011-G-C.
Other names: c.676G>C, p.Val226Leu (NM_001243952.2); c.700G>C, p.Val234Leu (NM_001243953.2); c.757G>C, p.Val253Leu (NM_004520.5); short protein forms V226L, V234L, V253L.
Identifiers: ClinVar variation 1397300 (VCV001397300.8), dbSNP rs2111942130, ClinGen allele CA359949818.

ClinVar aggregate classification (germline): Uncertain significance (1 of 4 stars; one submission).

Submission:

Labcorp Genetics (formerly Invitae), Labcorp
Classification: Uncertain significance. Last evaluated: 2020-12-14. Review status: criteria provided, single submitter. Criteria: Invitae Variant Classification Sherloc (09022015). Collection method: clinical testing. Allele origin: germline.
Comment: In summary, the available evidence is currently insufficient to determine the role of this variant in disease. Therefore, it has been classified as a Variant of Uncertain Significance. Algorithms developed to predict the effect of missense changes on protein structure and function (SIFT, PolyPhen-2, Align-GVGD) all suggest that this variant is likely to be tolerated, but these predictions have not been confirmed by published functional studies and their clinical significance is uncertain. This variant has not been reported in the literature in individuals with KIF2A-related conditions. This variant is not present in population databases (ExAC no frequency). This sequence change replaces valine with leucine at codon 253 of the KIF2A protein (p.Val253Leu). The valine residue is highly conserved and there is a small physicochemical difference between valine and leucine.